The following is an entry in ClinVar:

ClinVar aggregate classification (germline): Uncertain significance (1 of 4 stars; one submission).

Conditions:
Dilated cardiomyopathy 1HH (CMD1HH). Identifiers: Orphanet 154, MedGen C3151293, MONDO:0013479, OMIM 613881.
Myofibrillar myopathy 6. Identifiers: Orphanet 199340, MedGen C2751831, MONDO:0013061, OMIM 612954.

Allele frequency attached by ClinVar (database versions not stated): gnomAD exomes below 0.00001; gnomAD 0.00001.
gnomAD v4.1: 3 of 1,596,302 alleles (0.00019%); highest among the groups gnomAD compares: African/African-American, 0.0027%; no homozygotes.

Submission:

Labcorp Genetics (formerly Invitae), Labcorp
Classification: Uncertain significance for Dilated cardiomyopathy 1HH; Myofibrillar myopathy 6. Last evaluated: 2025-12-14. Review status: criteria provided, single submitter. Criteria: Invitae Variant Classification Sherloc (09022015). Collection method: clinical testing. Allele origin: germline.
Comment: This sequence change replaces glycine, which is neutral and non-polar, with alanine, which is neutral and non-polar, at codon 17 of the BAG3 protein (p.Gly17Ala). This variant is not present in population databases (gnomAD no frequency). This variant has not been reported in the literature in individuals affected with BAG3-related conditions. ClinVar contains an entry for this variant (Variation ID: 1389481). An algorithm developed to predict the effect of missense changes on protein structure and function (PolyPhen-2) suggests that this variant is likely to be tolerated. In summary, the available evidence is currently insufficient to determine the role of this variant in disease. Therefore, it has been classified as a Variant of Uncertain Significance.

NM_004281.4(BAG3):c.50G>C (p.Gly17Ala)

Gene: BAG3 (BAG cochaperone 3; plus strand). Cytogenetic location: 10q26.11.
Variant type: single nucleotide variant.
Coding change: c.50G>C on transcript NM_004281.4 (MANE Select); coding-DNA position 50, G replaced by C.
Protein change: p.Gly17Ala; replaces glycine 17 with alanine.
Molecular consequence: missense variant.
Genome position (GRCh38, 1-based): chr10:119,651,725, G>C. VCF-style: chr10-119651725-G-C. GRCh37 (hg19) VCF-style: chr10-121411237-G-C.
Other names: short protein forms G17A.
Identifiers: ClinVar variation 1389481 (VCV001389481.6), dbSNP rs1846842565, ClinGen allele CA378294069.